The following is an entry in ClinVar:

ClinVar aggregate classification (germline): Uncertain significance (1 of 4 stars; one submission).

Conditions:
Autosomal dominant polycystic kidney disease. Identifiers: Orphanet 730, MedGen C0085413, MONDO:0004691.

gnomAD v4.1: 1 of 1,613,676 alleles (0.000062%); highest among the groups gnomAD compares: Non-Finnish European, 0.000085%; no homozygotes.

Submission:

Labcorp Genetics (formerly Invitae), Labcorp
Classification: Uncertain significance for Autosomal dominant polycystic kidney disease. Last evaluated: 2025-12-18. Review status: criteria provided, single submitter. Criteria: Invitae Variant Classification Sherloc (09022015). Collection method: clinical testing. Allele origin: germline.
Comment: This sequence change replaces aspartic acid, which is acidic and polar, with histidine, which is basic and polar, at codon 763 of the PKD2 protein (p.Asp763His). This variant is not present in population databases (gnomAD no frequency). This variant has not been reported in the literature in individuals affected with PKD2-related conditions. Invitae Evidence Modeling of protein sequence and biophysical properties (such as structural, functional, and spatial information, amino acid conservation, physicochemical variation, residue mobility, and thermodynamic stability) has been performed for this missense variant. However, the output from this modeling did not meet the statistical confidence thresholds required to predict the impact of this variant on PKD2 protein function. In summary, the available evidence is currently insufficient to determine the role of this variant in disease. Therefore, it has been classified as a Variant of Uncertain Significance.

NM_000297.4(PKD2):c.2287G>C (p.Asp763His)

Gene: PKD2 (polycystin 2, transient receptor potential cation channel; plus strand). Cytogenetic location: 4q22.1.
Variant type: single nucleotide variant.
Coding change: c.2287G>C on transcript NM_000297.4 (MANE Select); coding-DNA position 2287, G replaced by C.
Protein change: p.Asp763His; replaces aspartic acid 763 with histidine.
Molecular consequence: missense variant. On other transcripts: non-coding transcript variant (1).
Genome position (GRCh38, 1-based): chr4:88,065,808, G>C. VCF-style: chr4-88065808-G-C. GRCh37 (hg19) VCF-style: chr4-88986960-G-C.
Other names: c.2062G>C, p.Asp688His (NM_001440544.1); short protein forms D688H, D763H.
Identifiers: ClinVar variation 4773555 (VCV004773555.1).